The following is an entry in ClinVar:

ClinVar aggregate classification (germline): Conflicting classifications of pathogenicity. Review status: criteria provided, conflicting classifications (1 of 4 stars). 12 submissions from 12 submitters: Uncertain significance (4); Benign (2); Likely benign (5). 1 of the submissions does not count toward it. Last evaluated 2026-02-04.

Conditions:
Finnish congenital nephrotic syndrome (NPHS1). Also called: NEPHROTIC SYNDROME, TYPE 1. Identifiers: Orphanet 839, MedGen C0403399, MONDO:0009732, OMIM 256300.
Focal segmental glomerulosclerosis (FSGS). Also called: Glomerulosclerosis, focal; Focal sclerosis with hyalinosis. Identifiers: MedGen C0017668, MONDO:0100313, HP:0000097. Disease mechanism: loss of function.

Allele frequency attached by ClinVar (database versions not stated): gnomAD exomes 0.00025 and 0.00080; ExAC 0.00108; gnomAD 0.00261 and 0.00270; TOPMed 0.00297; ESP Exome Variant Server 0.00408; 1000 Genomes Project 0.00459; 1000 Genomes Project 30x 0.00515.
gnomAD v4.1: 795 of 1,613,762 alleles (0.049%); highest among the groups gnomAD compares: African/African-American, 0.88%; 3 homozygotes.

Submissions (12):

Labcorp Genetics (formerly Invitae), Labcorp
Classification: Benign. Last evaluated: 2026-02-04. Review status: criteria provided, single submitter. Criteria: Invitae Variant Classification Sherloc (09022015). Collection method: clinical testing. Allele origin: germline.

Genetic Services Laboratory, University of Chicago
Classification: Uncertain significance. Last evaluated: 2025-12-09. Review status: criteria provided, single submitter. Criteria: ACMG Guidelines, 2015. Collection method: clinical testing. Allele origin: germline.
Comment: DNA sequence analysis of the NPHS1 gene demonstrated a sequence change, c.697A>G, in exon 6 that results in an amino acid change, p.Thr233Ala.This sequence change has been described in the gnomAD database with a frequency of 0.93% in the African/African American subpopulation (dbSNP rs35238405). The p.Thr233Ala change affects a highly conserved amino acid residue located in a domain of the NPHS1 protein that is not known to be functional. The p.Thr233Ala substitution appears to be deleterious using several in-silico pathogenicity prediction tools (SIFT, PolyPhen2, Align GVGD, REVEL). This sequence change has been reported to be associated with type 2 diabetic end stage renal disease in the African American population, however further studies are needed to prove this association conclusively (PMID: 24948143). Due to insufficient evidences and the lack of functional studies, the clinical significance of the p.Thr233Ala change remains unknown at this time.

CeGaT Center for Human Genetics Tuebingen
Classification: Likely benign. Last evaluated: 2025-11-01. Review status: criteria provided, single submitter. Criteria: CeGaT Center For Human Genetics Tuebingen Variant Classification Criteria Version 2. Collection method: clinical testing. Allele origin: germline. Affected: yes. Observed: 2 variant alleles.
Comment: NPHS1: BS2

Mayo Clinic Laboratories, Mayo Clinic
Classification: Likely benign. Last evaluated: 2025-06-20. Review status: criteria provided, single submitter. Criteria: ACMG Guidelines, 2015. Collection method: clinical testing. Allele origin: germline. Observed: 1 variant allele.
Comment: BS1

Blueprint Genetics
Classification: Likely benign. Last evaluated: 2024-09-23. Review status: criteria provided, single submitter. Criteria: ACMG Guidelines, 2015. Collection method: clinical testing. Allele origin: germline.

Genome-Nilou Lab
Classification: Likely benign for Finnish congenital nephrotic syndrome. Last evaluated: 2021-07-14. Review status: criteria provided, single submitter. Criteria: ACMG Guidelines, 2015. Collection method: clinical testing. Allele origin: germline. Affected: no.

Women's Health and Genetics/Laboratory Corporation of America, LabCorp
Classification: Likely benign. Last evaluated: 2021-05-20. Review status: criteria provided, single submitter. Criteria: LabCorp Variant Classification Summary - May 2015. Collection method: clinical testing. Allele origin: germline.
Comment: Variant summary: NPHS1 c.697A>G (p.Thr233Ala) results in a non-conservative amino acid change in the encoded protein sequence. Three of five in-silico tools predict a damaging effect of the variant on protein function. The variant allele was found at a frequency of 0.00095 in 282828 control chromosomes, predominantly at a frequency of 0.0093 within the African or African-American subpopulation in the gnomAD database. The observed variant frequency within African or African-American control individuals in the gnomAD database is approximately 3 fold of the estimated maximal expected allele frequency for a pathogenic variant in NPHS1 causing Nephrotic Syndrome, Type 1 phenotype (0.0034), strongly suggesting that the variant is a benign polymorphism found primarily in populations of African or African-American origin. c.697A>G has been reported in the literature in individuals affected with end stage renal disease (Bonomo_2014). The report does not provide unequivocal conclusions about association of the variant with Nephrotic Syndrome, Type 1. To our knowledge, no experimental evidence demonstrating an impact on protein function has been reported. Three ClinVar submitters (evaluation after 2014) cite the variant as uncertain significance (n=2) and benign (n=1). Based on the evidence outlined above, the variant was classified as likely benign.

GeneDx
Classification: Uncertain significance. Last evaluated: 2020-11-17. Review status: criteria provided, single submitter. Criteria: GeneDx Variant Classification Process June 2021. Collection method: clinical testing. Allele origin: germline. Affected: yes.
Comment: In silico analysis, which includes protein predictors and evolutionary conservation, supports a deleterious effect; Reported in a case-control study in association with end-stage renal disease in both diabetic and non-diabetic African American individuals (Bonomo et al., 2014); Observed in homozygous state in two clinically unaffected adult relatives of individuals referred for genetic testing at GeneDx, however adult-onset of NPHS1-related disorders is possible; This variant is associated with the following publications: (PMID: 24948143)

Genome Diagnostics Laboratory, The Hospital for Sick Children
Classification: Uncertain significance for Focal segmental glomerulosclerosis. Last evaluated: 2020-01-01. Review status: criteria provided, single submitter. Criteria: ACMG Guidelines, 2015. Collection method: clinical testing. Allele origin: germline.

Athena Diagnostics
Classification: Uncertain significance. Last evaluated: 2017-06-29. Review status: criteria provided, single submitter. Criteria: Athena Diagnostics Criteria. Collection method: clinical testing. Allele origin: germline.

PreventionGenetics, part of Exact Sciences
Classification: Benign. Review status: criteria provided, single submitter. Criteria: ACMG Guidelines, 2015. Collection method: clinical testing. Allele origin: germline.

Natera, Inc.
Classification: Uncertain significance for Finnish congenital nephrotic syndrome. Last evaluated: 2020-01-05. Review status: no assertion criteria provided. Collection method: clinical testing. Allele origin: germline. Not counted in ClinVar's aggregate classification.

Literature cited by the submitters: PubMed 24948143 (cited by 3 submitters); PubMed 31308072 (cited by Mayo Clinic Laboratories, Mayo Clinic); PubMed 33216373 (cited by Women's Health and Genetics/Laboratory Corporation of America, LabCorp).

NM_004646.4(NPHS1):c.697A>G (p.Thr233Ala)

Gene: NPHS1 (NPHS1 adhesion molecule, nephrin; minus strand). Cytogenetic location: 19q13.12.
Variant type: single nucleotide variant.
Coding change: c.697A>G on transcript NM_004646.4 (MANE Select); coding-DNA position 697, A replaced by G.
Protein change: p.Thr233Ala; replaces threonine 233 with alanine.
Molecular consequence: missense variant.
Genome position (GRCh38, 1-based): chr19:35,849,565, T>C on the plus strand (A>G on the coding strand, the complement: NPHS1 is on the minus strand). VCF-style: chr19-35849565-T-C. GRCh37 (hg19) VCF-style: chr19-36340467-T-C.
Other names: short protein forms T233A.
Identifiers: ClinVar variation 259506 (VCV000259506.37), dbSNP rs35238405, ClinGen allele CA9390698.